The following is an entry in ClinVar:

NM_001844.5(COL2A1):c.709G>C (p.Gly237Arg)

Gene: COL2A1 (collagen type II alpha 1 chain; minus strand). Cytogenetic location: 12q13.11.
Variant type: single nucleotide variant.
Coding change: c.709G>C on transcript NM_001844.5 (MANE Select); coding-DNA position 709, G replaced by C.
Protein change: p.Gly237Arg; replaces glycine 237 with arginine.
Molecular consequence: missense variant.
Genome position (GRCh38, 1-based): chr12:47,995,308, C>G on the plus strand (G>C on the coding strand, the complement: COL2A1 is on the minus strand). VCF-style: chr12-47995308-C-G. GRCh37 (hg19) VCF-style: chr12-48389091-C-G.
Other names: c.502G>C, p.Gly168Arg (NM_033150.3); short protein forms G237R, G168R.
Identifiers: ClinVar variation 3721343 (VCV003721343.2).

ClinVar aggregate classification (germline): Likely pathogenic (1 of 4 stars; one submission).

Submission:

Labcorp Genetics (formerly Invitae), Labcorp
Classification: Likely pathogenic. Last evaluated: 2024-09-22. Review status: criteria provided, single submitter. Criteria: Invitae Variant Classification Sherloc (09022015). Collection method: clinical testing. Allele origin: germline.
Comment: This sequence change replaces glycine, which is neutral and non-polar, with arginine, which is basic and polar, at codon 237 of the COL2A1 protein (p.Gly237Arg). This variant is not present in population databases (gnomAD no frequency). This missense change has been observed in individual(s) with clinical features of Stickler syndrome (internal data). Experimental studies and prediction algorithms are not available or were not evaluated, and the functional significance of this variant is currently unknown. This variant disrupts the triple helix domain of COL2A1. Glycine residues within the Gly-Xaa-Yaa repeats of the triple helix domain are required for the structure and stability of fibrillar collagens (PMID: 7695699, 8218237, 19344236). In COL2A1, variants affecting these glycine residues are significantly enriched in individuals with disease (PMID: 9016532, 17078022) compared to the general population (ExAC). In summary, the currently available evidence indicates that the variant is pathogenic, but additional data are needed to prove that conclusively. Therefore, this variant has been classified as Likely Pathogenic.

Literature cited by the submitters: PubMed 7695699; PubMed 8218237; PubMed 19344236; PubMed 9016532; PubMed 17078022.